The following is an entry in ClinVar:

ClinVar aggregate classification (germline): Uncertain significance (1 of 4 stars; one submission).

Allele frequency attached by ClinVar (database versions not stated): gnomAD 0.00001; gnomAD exomes 0.00002; TOPMed 0.00002; ExAC 0.00005; ESP Exome Variant Server 0.00008.
gnomAD v4.1: 26 of 1,611,260 alleles (0.0016%); highest among the groups gnomAD compares: East Asian, 0.031%; no homozygotes.

Submission:

Labcorp Genetics (formerly Invitae), Labcorp
Classification: Uncertain significance. Last evaluated: 2022-03-18. Review status: criteria provided, single submitter. Criteria: Invitae Variant Classification Sherloc (09022015). Collection method: clinical testing. Allele origin: germline.
Comment: This variant has not been reported in the literature in individuals affected with PDHX-related conditions. This variant is present in population databases (rs374629778, gnomAD 0.06%). This sequence change replaces threonine, which is neutral and polar, with alanine, which is neutral and non-polar, at codon 179 of the PDHX protein (p.Thr179Ala). Algorithms developed to predict the effect of missense changes on protein structure and function output the following: SIFT: "Tolerated"; PolyPhen-2: "Benign"; Align-GVGD: "Class C0". The alanine amino acid residue is found in multiple mammalian species, which suggests that this missense change does not adversely affect protein function. In summary, the available evidence is currently insufficient to determine the role of this variant in disease. Therefore, it has been classified as a Variant of Uncertain Significance.

NM_003477.3(PDHX):c.535A>G (p.Thr179Ala)

Gene: PDHX (pyruvate dehydrogenase complex component X; plus strand). Cytogenetic location: 11p13.
Variant type: single nucleotide variant.
Coding change: c.535A>G on transcript NM_003477.3 (MANE Select); coding-DNA position 535, A replaced by G.
Protein change: p.Thr179Ala; replaces threonine 179 with alanine.
Molecular consequence: missense variant. On other transcripts: intron variant (1).
Genome position (GRCh38, 1-based): chr11:34,957,576, A>G. VCF-style: chr11-34957576-A-G. GRCh37 (hg19) VCF-style: chr11-34979123-A-G.
Other names: c.355A>G, p.Thr119Ala (NM_001135024.2); c.342+9970A>G (NM_001166158.2); short protein forms T179A, T119A.
Identifiers: ClinVar variation 2174076 (VCV002174076.3), dbSNP rs374629778, ClinGen allele CA5945888.
Genomic context (GRCh38, chr11:34,957,576, plus strand): 5'-CCTCGCCCCTCACCAGAACCACAGATTTCCATCCCTGTCAAGAAGGAACACATACCCGGG[A>G]CACTACGGTGAGTATATATTTATTCAAAGGATGATGTAAAAAAAAAAAGTTATGGCAGTT-3'
Protein context (NP_003468.2, residues 169-189): IPVKKEHIPG[Thr179Ala]LRFRLSPAAR